The following is an entry in ClinVar:

ClinVar aggregate classification (germline): Uncertain significance (1 of 4 stars; one submission).

Submission:

GeneDx
Classification: Uncertain significance. Last evaluated: 2016-12-12. Review status: criteria provided, single submitter. Criteria: GeneDx Variant Classification (06012015). Collection method: clinical testing. Allele origin: germline. Affected: yes.
Comment: The c.1366_1377del12 variant in the HIVEP2 gene has not been reported previously as a pathogenic variant nor as a benign variant, to our knowledge. The c.1366_1377del12 variant causes in-frame 12 base-pair deletion that is predicted to cause loss four amino acids residues, denoted as p.M456_L459del. The c.1366_1377del12 variant was not observed in approximately 6200 individuals of European and African American ancestry in the NHLBI Exome Sequencing Project, indicating it is not a common benign variant in these populations. We interpret c.1366_1377del12 as a variant of uncertain significance.

NM_006734.4(HIVEP2):c.1366_1377del (p.Met456_Leu459del)

Gene: HIVEP2 (HIVEP zinc finger 2; minus strand). Cytogenetic location: 6q24.2.
Variant type: Deletion.
Coding change: c.1366_1377del on transcript NM_006734.4 (MANE Select); coding-DNA positions 1366 to 1377, 12 bases deleted (ATGGAACCATTA).
Protein change: p.Met456_Leu459del.
Molecular consequence: inframe deletion.
Genome position (GRCh38, 1-based): chr6:142,773,362-142,773,373, TAATGGTTCCAT deleted on the plus strand (ATGGAACCATTA on the coding strand, the reverse complement: HIVEP2 is on the minus strand); deleting any 12 consecutive bases within chr6:142,773,362-142,773,375 gives the same sequence; the c. name uses the placement nearest the transcript's 3' end. VCF-style (leftmost placement, unchanged base first): chr6-142773361-GTAATGGTTCCAT-G. GRCh37 (hg19) VCF-style: chr6-143094498-GTAATGGTTCCAT-G.
Identifiers: ClinVar variation 373809 (VCV000373809.2), dbSNP rs757899821, ClinGen allele CA4028610.